The following is an entry in ClinVar:

ClinVar aggregate classification (germline): Conflicting classifications of pathogenicity. Review status: criteria provided, conflicting classifications (1 of 4 stars). 4 submissions from 4 submitters: Uncertain significance (2); Likely benign (1). 1 of the submissions does not count toward it. Last evaluated 2026-01-27.

Conditions:
Zellweger spectrum disorders (ZS). Also called: Zellweger syndrome; Zellweger Spectrum Disorder (ZSD); Zellweger Spectrum Disorder; Zellweger Spectrum. Identifiers: Orphanet 912, MedGen C0043459, MONDO:0019609.
PEX1-related disorder. Also called: PEX1-related condition.

Allele frequency attached by ClinVar (database versions not stated): gnomAD 0.00001 and 0.00003; ExAC 0.00003; TOPMed 0.00003; gnomAD exomes 0.00007 and 0.00009.
gnomAD v4.1: 132 of 1,614,050 alleles (0.0082%); highest among the groups gnomAD compares: South Asian, 0.026%; no homozygotes.

Submissions (4):

PreventionGenetics, part of Exact Sciences
Classification: Uncertain significance for PEX1-related condition. Last evaluated: 2026-01-27. Review status: criteria provided, single submitter. Criteria: ACMG Guidelines, 2015. Collection method: clinical testing. Allele origin: germline.
Comment: The PEX1 c.1772G>A variant is predicted to result in the amino acid substitution p.Arg591Lys. To our knowledge, this variant has not been reported in the literature. This variant is reported in 0.033% of alleles in individuals of South Asian descent in gnomAD. At this time, the clinical significance of this variant is uncertain due to the absence of conclusive functional and genetic evidence.

Labcorp Genetics (formerly Invitae), Labcorp
Classification: Likely benign for Zellweger spectrum disorders. Last evaluated: 2025-08-24. Review status: criteria provided, single submitter. Criteria: Invitae Variant Classification Sherloc (09022015). Collection method: clinical testing. Allele origin: germline.

Blueprint Genetics
Classification: Uncertain significance. Last evaluated: 2023-07-14. Review status: criteria provided, single submitter. Criteria: ACMG Guidelines, 2015. Collection method: clinical testing. Allele origin: germline.

Natera, Inc.
Classification: Uncertain significance for Zellweger syndrome. Last evaluated: 2018-09-28. Review status: no assertion criteria provided. Collection method: clinical testing. Allele origin: germline. Not counted in ClinVar's aggregate classification.

NM_000466.3(PEX1):c.1772G>A (p.Arg591Lys)

Gene: PEX1 (peroxisomal biogenesis factor 1; minus strand). Cytogenetic location: 7q21.2.
Variant type: single nucleotide variant.
Coding change: c.1772G>A on transcript NM_000466.3 (MANE Select); coding-DNA position 1772, G replaced by A.
Protein change: p.Arg591Lys; replaces arginine 591 with lysine.
Molecular consequence: missense variant.
Genome position (GRCh38, 1-based): chr7:92,507,025, C>T on the plus strand (G>A on the coding strand, the complement: PEX1 is on the minus strand). VCF-style: chr7-92507025-C-T. GRCh37 (hg19) VCF-style: chr7-92136339-C-T.
Other names: c.1772G>A, p.Arg591Lys (NM_001282677.2); c.1148G>A, p.Arg383Lys (NM_001282678.2); short protein forms R383K, R591K.
Identifiers: ClinVar variation 969881 (VCV000969881.11), dbSNP rs754337792, ClinGen allele CA4341306.